The following is an entry in ClinVar:

NM_001347721.2(DYRK1A):c.1169C>T (p.Pro390Leu)

Gene: DYRK1A (dual specificity tyrosine phosphorylation regulated kinase 1A; plus strand). Cytogenetic location: 21q22.13.
Variant type: single nucleotide variant.
Coding change: c.1169C>T on transcript NM_001347721.2 (MANE Select); coding-DNA position 1169, C replaced by T.
Protein change: p.Pro390Leu; replaces proline 390 with leucine.
Molecular consequence: missense variant.
Genome position (GRCh38, 1-based): chr21:37,496,215, C>T. VCF-style: chr21-37496215-C-T. GRCh37 (hg19) VCF-style: chr21-38868517-C-T.
Other names: c.1169C>T, p.Pro390Leu (NM_001347722.2, NM_130436.2); c.1082C>T, p.Pro361Leu (NM_001347723.2); c.1196C>T, p.Pro399Leu (NM_001396.5, NM_101395.2, NM_130438.2); short protein forms P361L, P390L, P399L.
Identifiers: ClinVar variation 3631896 (VCV003631896.2).
Genomic context (GRCh38, chr21:37,496,215, plus strand): 5'-TTCCACCTGCTCATATTCTTGACCAAGCACCAAAAGCAAGAAAGTTCTTTGAGAAGTTGC[C>T]AGATGGCACTTGGAACTTAAAGAAGACCAAAGATGGAAAACGGGTAAAATAAGGATATAT-3'
Protein context (NP_001334650.1, residues 380-400): PKARKFFEKL[Pro390Leu]DGTWNLKKTK

ClinVar aggregate classification (germline): Uncertain significance (1 of 4 stars; one submission).

Conditions:
DYRK1A-related intellectual disability syndrome (MRD7). Also called: Intellectual developmental disorder, autosomal dominant 7; DYRK1A Syndrome. Identifiers: Orphanet 464306, MedGen C5568143, MONDO:0013578, OMIM 614104.

gnomAD v4.1: 1 of 1,614,026 alleles (0.000062%); highest among the groups gnomAD compares: Non-Finnish European, 0.000085%; no homozygotes.

Submission:

Labcorp Genetics (formerly Invitae), Labcorp
Classification: Uncertain significance for DYRK1A-related intellectual disability syndrome. Last evaluated: 2024-02-06. Review status: criteria provided, single submitter. Criteria: Invitae Variant Classification Sherloc (09022015). Collection method: clinical testing. Allele origin: germline.
Comment: This sequence change replaces proline, which is neutral and non-polar, with leucine, which is neutral and non-polar, at codon 399 of the DYRK1A protein (p.Pro399Leu). This variant is not present in population databases (gnomAD no frequency). This variant has not been reported in the literature in individuals affected with DYRK1A-related conditions. Advanced modeling of protein sequence and biophysical properties (such as structural, functional, and spatial information, amino acid conservation, physicochemical variation, residue mobility, and thermodynamic stability) performed at Invitae indicates that this missense variant is not expected to disrupt DYRK1A protein function with a negative predictive value of 95%. In summary, the available evidence is currently insufficient to determine the role of this variant in disease. Therefore, it has been classified as a Variant of Uncertain Significance.